The following is an entry in ClinVar:

NM_001172509.2(SATB2):c.1414C>T (p.Leu472Phe)

Gene: SATB2 (SATB homeobox 2; minus strand). Cytogenetic location: 2q33.1.
Variant type: single nucleotide variant.
Coding change: c.1414C>T on transcript NM_001172509.2 (MANE Select); coding-DNA position 1414, C replaced by T.
Protein change: p.Leu472Phe; replaces leucine 472 with phenylalanine.
Molecular consequence: missense variant.
Genome position (GRCh38, 1-based): chr2:199,323,931, G>A on the plus strand (C>T on the coding strand, the complement: SATB2 is on the minus strand). VCF-style: chr2-199323931-G-A. GRCh37 (hg19) VCF-style: chr2-200188654-G-A.
Other names: c.1414C>T, p.Leu472Phe (NM_001172517.1, NM_015265.4); short protein forms L472F.
Identifiers: ClinVar variation 4737963 (VCV004737963.1).

ClinVar aggregate classification (germline): Uncertain significance (1 of 4 stars; one submission).

Conditions:
Chromosome 2q32-q33 deletion syndrome (GLASS). Also called: 2q33.1 deletion syndrome; Glass syndrome. Identifiers: Orphanet 251019, MedGen C2676739, MONDO:0012864, OMIM 612313.

gnomAD v4.1: 5 of 1,613,394 alleles (0.00031%); highest among the groups gnomAD compares: African/African-American, 0.0013%; no homozygotes.

Submission:

Labcorp Genetics (formerly Invitae), Labcorp
Classification: Uncertain significance for Chromosome 2q32-q33 deletion syndrome. Last evaluated: 2025-11-24. Review status: criteria provided, single submitter. Criteria: Invitae Variant Classification Sherloc (09022015). Collection method: clinical testing. Allele origin: germline.
Comment: This sequence change replaces leucine, which is neutral and non-polar, with phenylalanine, which is neutral and non-polar, at codon 472 of the SATB2 protein (p.Leu472Phe). This variant is present in population databases (rs752719791, gnomAD 0.008%). This variant has not been reported in the literature in individuals affected with SATB2-related conditions. Invitae Evidence Modeling of protein sequence and biophysical properties (such as structural, functional, and spatial information, amino acid conservation, physicochemical variation, residue mobility, and thermodynamic stability) indicates that this missense variant is not expected to disrupt SATB2 protein function with a negative predictive value of 80%. In summary, the available evidence is currently insufficient to determine the role of this variant in disease. Therefore, it has been classified as a Variant of Uncertain Significance.